The following is an entry in ClinVar:

ClinVar aggregate classification (germline): Pathogenic. Review status: criteria provided, multiple submitters, no conflicts (2 of 4 stars). 4 submissions from 4 submitters: Pathogenic (4). Last evaluated 2024-06-23.

Conditions:
Intellectual disability-microcephaly-strabismus-behavioral abnormalities syndrome. Also called: White-Sutton Syndrome. Identifiers: Orphanet 468678, MedGen C4225351, MONDO:0014606, OMIM 616364.
Inborn genetic diseases. Identifiers: MedGen C0950123, MeSH D030342.

Submissions (4):

GeneDx
Classification: Pathogenic. Last evaluated: 2024-06-23. Review status: criteria provided, single submitter. Criteria: GeneDx Variant Classification Process June 2021. Collection method: clinical testing. Allele origin: germline. Affected: yes.
Comment: Nonsense variant predicted to result in protein truncation or nonsense mediated decay in a gene for which loss of function is a known mechanism of disease; Not observed at significant frequency in large population cohorts (gnomAD); This variant is associated with the following publications: (PMID: 33277917)

Genome-Nilou Lab
Classification: Pathogenic for Intellectual disability-microcephaly-strabismus-behavioral abnormalities syndrome. Last evaluated: 2023-04-11. Review status: criteria provided, single submitter. Criteria: ACMG Guidelines, 2015. Collection method: clinical testing. Allele origin: germline. Affected: no.

Ambry Genetics
Classification: Pathogenic for Inborn genetic diseases. Last evaluated: 2021-08-14. Review status: criteria provided, single submitter. Criteria: Ambry Variant Classification Scheme 2023. Collection method: clinical testing. Allele origin: germline.
Comment: The c.2092C>T (p.R698*) alteration, located in exon 14 (coding exon 13) of the POGZ gene, consists of a C to T substitution at nucleotide position 2092. This changes the amino acid from a arginine (R) to a stop codon at amino acid position 698. This alteration is expected to result in loss of function by premature protein truncation or nonsense-mediated mRNA decay. This variant was not reported in population-based cohorts in the Genome Aggregation Database (gnomAD). This mutation occurred de novo in one individual with intellectual disability, developmental delay, hypotonia, and dysmorphic features (Garde, 2021). Based on the available evidence, this alteration is classified as pathogenic.

Institute of Medical Genetics and Applied Genomics, University Hospital Tübingen
Classification: Pathogenic. Last evaluated: 2020-10-23. Review status: criteria provided, single submitter. Criteria: ACMG Guidelines, 2015. Collection method: clinical testing. Allele origin: germline. Inheritance: Unknown mechanism. Affected: yes.

Literature cited by the submitters: PubMed 33277917 (cited by Ambry Genetics).

NM_015100.4(POGZ):c.2092C>T (p.Arg698Ter)

Gene: POGZ (pogo transposable element derived with ZNF domain; minus strand). Cytogenetic location: 1q21.3.
Variant type: single nucleotide variant.
Coding change: c.2092C>T on transcript NM_015100.4 (MANE Select); coding-DNA position 2092, C replaced by T.
Protein change: p.Arg698Ter; replaces arginine 698 with a stop codon.
Molecular consequence: nonsense.
Genome position (GRCh38, 1-based): chr1:151,408,551, G>A on the plus strand (C>T on the coding strand, the complement: POGZ is on the minus strand). VCF-style: chr1-151408551-G-A. GRCh37 (hg19) VCF-style: chr1-151381027-G-A.
Other names: c.2092C>T (NM_015100.3); c.2065C>T, p.Arg689Ter (NM_001194937.2); c.1906C>T, p.Arg636Ter (NM_001194938.2); c.1807C>T, p.Arg603Ter (NM_145796.4); c.1933C>T, p.Arg645Ter (NM_207171.2); short protein forms R603*, R636*, R645*, R689*, R698*.
Identifiers: ClinVar variation 987080 (VCV000987080.6), dbSNP rs1654081712, ClinGen allele CA341957132.